The following is an entry in ClinVar:

NM_001161352.2(KCNMA1):c.2405T>C (p.Met802Thr)

Genes: KCNMA1 (potassium calcium-activated channel subfamily M alpha 1; minus strand), KCNMA1-AS1 (KCNMA1 antisense RNA 1; plus strand). Cytogenetic location: 10q22.3.
Variant type: single nucleotide variant.
Coding change: c.2405T>C on transcript NM_001161352.2 (MANE Select); coding-DNA position 2405, T replaced by C.
Protein change: p.Met802Thr; replaces methionine 802 with threonine.
Molecular consequence: missense variant.
Genome position (GRCh38, 1-based): chr10:76,953,880, A>G on the plus strand (T>C on the coding strand, the complement: KCNMA1 is on the minus strand). VCF-style: chr10-76953880-A-G. GRCh37 (hg19) VCF-style: chr10-78713638-A-G.
Other names: c.2243T>C, p.Met748Thr (NM_001014797.3, NM_001322835.2, NM_001322837.2); c.2231T>C, p.Met744Thr (NM_001161353.2, NM_001322832.2, NM_002247.4); c.2081T>C, p.Met694Thr (NM_001271518.2); c.2240T>C, p.Met747Thr (NM_001271519.2, NM_001322829.2, NM_001322836.2); c.2252T>C, p.Met751Thr (NM_001322830.2); c.1778T>C, p.Met593Thr (NM_001322838.2); short protein forms M694T, M744T, M747T, M593T, M802T, M748T, M751T.
Identifiers: ClinVar variation 946574 (VCV000946574.12), dbSNP rs75573826, ClinGen allele CA5568095.

ClinVar aggregate classification (germline): Uncertain significance. Review status: criteria provided, multiple submitters, no conflicts (2 of 4 stars). 3 submissions from 3 submitters: Uncertain significance (3). Last evaluated 2025-10-02.

Conditions:
Generalized epilepsy-paroxysmal dyskinesia syndrome (PNKD3). Also called: Paroxysmal nonkinesigenic dyskinesia, 3, with or without generalized epilepsy; Generalized epilepsy and paroxysmal dyskinesia. Identifiers: Orphanet 79137, MedGen C5574945, MONDO:0012276, OMIM 609446.
Inborn genetic diseases. Identifiers: MedGen C0950123, MeSH D030342.

Allele frequency attached by ClinVar (database versions not stated): gnomAD exomes below 0.00001 and 0.00001; ExAC 0.00001; gnomAD 0.00001 and 0.00003; TOPMed 0.00002.
gnomAD v4.1: 14 of 1,613,942 alleles (0.00087%); highest among the groups gnomAD compares: Non-Finnish European, 0.00093%; no homozygotes.

Submissions (3):

Labcorp Genetics (formerly Invitae), Labcorp
Classification: Uncertain significance for Generalized epilepsy-paroxysmal dyskinesia syndrome. Last evaluated: 2025-10-02. Review status: criteria provided, single submitter. Criteria: Invitae Variant Classification Sherloc (09022015). Collection method: clinical testing. Allele origin: germline.
Comment: This sequence change replaces methionine, which is neutral and non-polar, with threonine, which is neutral and polar, at codon 744 of the KCNMA1 protein (p.Met744Thr). This variant is present in population databases (rs75573826, gnomAD 0.0009%). This variant has not been reported in the literature in individuals affected with KCNMA1-related conditions. ClinVar contains an entry for this variant (Variation ID: 946574). Invitae Evidence Modeling of protein sequence and biophysical properties (such as structural, functional, and spatial information, amino acid conservation, physicochemical variation, residue mobility, and thermodynamic stability) indicates that this missense variant is not expected to disrupt KCNMA1 protein function with a negative predictive value of 80%. In summary, the available evidence is currently insufficient to determine the role of this variant in disease. Therefore, it has been classified as a Variant of Uncertain Significance.

Ambry Genetics
Classification: Uncertain significance for Inborn genetic diseases. Last evaluated: 2022-06-03. Review status: criteria provided, single submitter. Criteria: Ambry Variant Classification Scheme 2023. Collection method: clinical testing. Allele origin: germline.

GeneDx
Classification: Uncertain significance. Last evaluated: 2022-01-12. Review status: criteria provided, single submitter. Criteria: GeneDx Variant Classification Process June 2021. Collection method: clinical testing. Allele origin: germline. Affected: yes.
Comment: Not observed at significant frequency in large population cohorts (gnomAD); In silico analysis supports that this missense variant does not alter protein structure/function; Has not been previously published as pathogenic or benign to our knowledge